The following is an entry in ClinVar:

NM_000090.4(COL3A1):c.951+223C>T

Gene: COL3A1 (collagen type III alpha 1 chain; plus strand). Cytogenetic location: 2q32.2.
Variant type: single nucleotide variant.
Coding change: c.951+223C>T on transcript NM_000090.4 (MANE Select); 223 bases into the intron after coding-DNA position 951, C replaced by T.
Molecular consequence: intron variant.
Genome position (GRCh38, 1-based): chr2:188,991,945, C>T. VCF-style: chr2-188991945-C-T. GRCh37 (hg19) VCF-style: chr2-189856671-C-T.
Identifiers: ClinVar variation 678460 (VCV000678460.1), dbSNP rs3134656, ClinGen allele CA62593253.
Genomic context (GRCh38, chr2:188,991,945, plus strand): 5'-GAATAATTGTTTTACAATTATTATCTCTATTGAGAATTTTTGTGTTAACTTTTCATATGT[C>T]ATTTGAGCCATTATATCTGCATTCAGTCCTGAAAACACAGACTCCAATCCTTCTACATTT-3'

ClinVar aggregate classification (germline): Benign (1 of 4 stars; one submission).

Allele frequency attached by ClinVar (database versions not stated): TOPMed 0.33657; gnomAD 0.34685 and 0.35521; 1000 Genomes Project 30x 0.36368; 1000 Genomes Project 0.36961.
gnomAD v4.1: 54,012 of 152,036 alleles (36%); highest among the groups gnomAD compares: East Asian, 60%; 11,542 homozygotes.

Submission:

GeneDx
Classification: Benign. Last evaluated: 2018-06-16. Review status: criteria provided, single submitter. Criteria: GeneDx Variant Classification (06012015). Collection method: clinical testing. Allele origin: germline. Affected: yes.
Comment: This variant is considered likely benign or benign based on one or more of the following criteria: it is a conservative change, it occurs at a poorly conserved position in the protein, it is predicted to be benign by multiple in silico algorithms, and/or has population frequency not consistent with disease.